The following is an entry in ClinVar:

ClinVar aggregate classification (germline): Uncertain significance (1 of 4 stars; one submission).

Allele frequency attached by ClinVar (database versions not stated): gnomAD 0.00001; gnomAD exomes 0.00001; ExAC 0.00002; TOPMed 0.00007.
gnomAD v4.1: 15 of 1,614,006 alleles (0.00093%); highest among the groups gnomAD compares: Admixed American, 0.018%; no homozygotes.

Submission:

Labcorp Genetics (formerly Invitae), Labcorp
Classification: Uncertain significance. Last evaluated: 2022-07-25. Review status: criteria provided, single submitter. Criteria: Invitae Variant Classification Sherloc (09022015). Collection method: clinical testing. Allele origin: germline.
Comment: This sequence change replaces leucine, which is neutral and non-polar, with phenylalanine, which is neutral and non-polar, at codon 815 of the MBTPS1 protein (p.Leu815Phe). This variant is present in population databases (rs779368224, gnomAD 0.02%). This variant has not been reported in the literature in individuals affected with MBTPS1-related conditions. Algorithms developed to predict the effect of missense changes on protein structure and function are either unavailable or do not agree on the potential impact of this missense change (SIFT: "Deleterious"; PolyPhen-2: "Possibly Damaging"; Align-GVGD: "Class C0"). In summary, the available evidence is currently insufficient to determine the role of this variant in disease. Therefore, it has been classified as a Variant of Uncertain Significance.

NM_003791.4(MBTPS1):c.2445A>T (p.Leu815Phe)

Gene: MBTPS1 (membrane bound transcription factor peptidase, site 1; minus strand). Cytogenetic location: 16q23.3.
Variant type: single nucleotide variant.
Coding change: c.2445A>T on transcript NM_003791.4 (MANE Select); coding-DNA position 2445, A replaced by T.
Protein change: p.Leu815Phe; replaces leucine 815 with phenylalanine.
Molecular consequence: missense variant.
Genome position (GRCh38, 1-based): chr16:84,063,432, T>A on the plus strand (A>T on the coding strand, the complement: MBTPS1 is on the minus strand). VCF-style: chr16-84063432-T-A. GRCh37 (hg19) VCF-style: chr16-84097037-T-A.
Other names: short protein forms L815F.
Identifiers: ClinVar variation 2183758 (VCV002183758.1), dbSNP rs779368224, ClinGen allele CA8200882.
Genomic context (GRCh38, chr16:84,063,432, plus strand): 5'-AGCTGGAATCTGATAAAGTCCCAAAATGGGGACGTTTTCAACAACTGCTGTTTCCTGCTT[T>A]AAAACCTCCAATCCTGAAACAACACAACAAAAAACAACAGCCATGAGAGTTTCCACTGAG-3'
Protein context (NP_003782.1, residues 805-825): QTFKDQGLEV[Leu815Phe]KQETAVVENV